The following is an entry in ClinVar:

ClinVar aggregate classification (germline): Likely pathogenic (1 of 4 stars; one submission).

Conditions:
NIPBL-related disorder. Also called: NIPBL-related condition.

Submission:

PreventionGenetics, part of Exact Sciences
Classification: Likely pathogenic for NIPBL-related condition. Last evaluated: 2025-09-09. Review status: criteria provided, single submitter. Criteria: ACMG Guidelines, 2015. Collection method: clinical testing. Allele origin: germline.
Comment: The NIPBL c.6840_6841insGTG variant is predicted to result in an in-frame amino acid insertion (p.Gln2280_Leu2281insVal). To our knowledge, this variant has not been reported in the literature. This variant is absent in a large population database (gnomAD), indicating this variant is rare. Given the evidence, we interpret this variant as likely pathogenic.

NM_133433.4(NIPBL):c.6840_6841insGTG (p.Gln2280_Leu2281insVal)

Gene: NIPBL (NIPBL cohesin loading factor; plus strand). Cytogenetic location: 5p13.2.
Variant type: Insertion.
Coding change: c.6840_6841insGTG on transcript NM_133433.4 (MANE Select); coding-DNA positions 6840 to 6841, GTG inserted.
Protein change: p.Gln2280_Leu2281insVal.
Molecular consequence: inframe insertion.
Genome position: GRCh38 VCF-style: chr5-37049186-A-AGGT. GRCh37 (hg19) VCF-style: chr5-37049288-A-AGGT.
Other names: c.6840_6841insGTG, p.Gln2280_Leu2281insVal (NM_001438586.1, NM_015384.5).
Identifiers: ClinVar variation 4991731 (VCV004991731.1).